The following is an entry in ClinVar:

NM_003482.4(KMT2D):c.1889C>G (p.Pro630Arg)

Gene: KMT2D (lysine methyltransferase 2D; minus strand). Cytogenetic location: 12q13.12.
Variant type: single nucleotide variant.
Coding change: c.1889C>G on transcript NM_003482.4 (MANE Select); coding-DNA position 1889, C replaced by G.
Protein change: p.Pro630Arg; replaces proline 630 with arginine.
Molecular consequence: missense variant.
Genome position (GRCh38, 1-based): chr12:49,051,794, G>C on the plus strand (C>G on the coding strand, the complement: KMT2D is on the minus strand). VCF-style: chr12-49051794-G-C. GRCh37 (hg19) VCF-style: chr12-49445577-G-C.
Other names: short protein forms P630R.
Identifiers: ClinVar variation 1440610 (VCV001440610.8), dbSNP rs1219465156, ClinGen allele CA384669883.

ClinVar aggregate classification (germline): Uncertain significance. Review status: criteria provided, multiple submitters, no conflicts (2 of 4 stars). 2 submissions from 2 submitters: Uncertain significance (2). Last evaluated 2025-01-24.

Conditions:
Kabuki syndrome. Also called: NIIKAWA-KUROKI SYNDROME; Kabuki make-up syndrome. Identifiers: Orphanet 2322, MedGen C0796004, MONDO:0016512.

Allele frequency attached by ClinVar (database versions not stated): gnomAD exomes below 0.00001.
gnomAD v4.1: 1 of 1,612,766 alleles (0.000062%); highest among the groups gnomAD compares: Non-Finnish European, 0.000085%; no homozygotes.

Submissions (2):

Dasa
Classification: Uncertain significance. Last evaluated: 2025-01-24. Review status: criteria provided, single submitter. Criteria: DASA Assertion Criteria. Collection method: clinical testing. Allele origin: germline.
Comment: NM_003482.4(KMT2D):c.1889C>G (p.Pro630Arg) is a missense variant that results in the substitution of proline with arginine. This variant is rare in population databases. Computational prediction algorithms are consistent with a benign effect. The currently available literature and clinical evidence are not sufficient to establish a definitive association between this variant and the reported condition. Therefore, this variant is classified as a variant of uncertain significance.

Labcorp Genetics (formerly Invitae), Labcorp
Classification: Uncertain significance for Kabuki syndrome. Last evaluated: 2021-08-11. Review status: criteria provided, single submitter. Criteria: Invitae Variant Classification Sherloc (09022015). Collection method: clinical testing. Allele origin: germline.
Comment: In summary, the available evidence is currently insufficient to determine the role of this variant in disease. Therefore, it has been classified as a Variant of Uncertain Significance. Algorithms developed to predict the effect of sequence changes on RNA splicing suggest that this variant may create or strengthen a splice site. Advanced modeling of protein sequence and biophysical properties (such as structural, functional, and spatial information, amino acid conservation, physicochemical variation, residue mobility, and thermodynamic stability) performed at Invitae indicates that this missense variant is not expected to disrupt KMT2D protein function. This variant has not been reported in the literature in individuals affected with KMT2D-related conditions. This variant is not present in population databases (ExAC no frequency). This sequence change replaces proline with arginine at codon 630 of the KMT2D protein (p.Pro630Arg). The proline residue is moderately conserved and there is a moderate physicochemical difference between proline and arginine.